The following is an entry in ClinVar:

NM_000238.4(KCNH2):c.1040C>T (p.Pro347Leu)

Gene: KCNH2 (potassium voltage-gated channel subfamily H member 2; minus strand). Cytogenetic location: 7q36.1.
Variant type: single nucleotide variant.
Coding change: c.1040C>T on transcript NM_000238.4 (MANE Select); coding-DNA position 1040, C replaced by T.
Protein change: p.Pro347Leu; replaces proline 347 with leucine.
Molecular consequence: missense variant. On other transcripts: non-coding transcript variant (1).
Genome position (GRCh38, 1-based): chr7:150,957,379, G>A on the plus strand (C>T on the coding strand, the complement: KCNH2 is on the minus strand). VCF-style: chr7-150957379-G-A. GRCh37 (hg19) VCF-style: chr7-150654467-G-A.
Other names: c.1040C>T (NM_000238.2); c.752C>T, p.Pro251Leu (NM_001406753.1, NM_001406756.1); c.863C>T, p.Pro288Leu (NM_001406755.1); c.740C>T, p.Pro247Leu (NM_001406757.1); c.1040C>T, p.Pro347Leu (NM_172056.3); short protein forms P251L, P247L, P288L, P347L.
Identifiers: ClinVar variation 3665708 (VCV003665708.3).

ClinVar aggregate classification (germline): Uncertain significance. Review status: criteria provided, multiple submitters, no conflicts (2 of 4 stars). 2 submissions from 2 submitters: Uncertain significance (2). Last evaluated 2025-01-06.

Conditions:
Long QT syndrome (LQTS). Identifiers: MedGen C0023976, MeSH D008133, MONDO:0002442. Disease mechanism: loss of function. Inheritance: Various modes of inheritance.

Submissions (2):

GeneDx
Classification: Uncertain significance. Last evaluated: 2025-01-06. Review status: criteria provided, single submitter. Criteria: GeneDx Variant Classification Process June 2021. Collection method: clinical testing. Allele origin: germline. Affected: yes.
Comment: Not observed at significant frequency in large population cohorts (gnomAD); In silico analysis supports that this missense variant has a deleterious effect on protein structure/function; Has not been previously published as pathogenic or benign to our knowledge

Labcorp Genetics (formerly Invitae), Labcorp
Classification: Uncertain significance for Long QT syndrome. Last evaluated: 2024-08-20. Review status: criteria provided, single submitter. Criteria: Invitae Variant Classification Sherloc (09022015). Collection method: clinical testing. Allele origin: germline.
Comment: This sequence change replaces proline, which is neutral and non-polar, with leucine, which is neutral and non-polar, at codon 347 of the KCNH2 protein (p.Pro347Leu). This variant is not present in population databases (gnomAD no frequency). This variant has not been reported in the literature in individuals affected with KCNH2-related conditions. An algorithm developed to predict the effect of missense changes on protein structure and function (PolyPhen-2) suggests that this variant is likely to be tolerated. In summary, the available evidence is currently insufficient to determine the role of this variant in disease. Therefore, it has been classified as a Variant of Uncertain Significance.